The following is an entry in ClinVar:

ClinVar aggregate classification (germline): Pathogenic (1 of 4 stars; one submission).

Submission:

CeGaT Center for Human Genetics Tuebingen
Classification: Pathogenic. Last evaluated: 2022-03-01. Review status: criteria provided, single submitter. Criteria: CeGaT Center For Human Genetics Tuebingen Variant Classification Criteria Version 2. Collection method: clinical testing. Allele origin: germline. Affected: yes. Observed: 1 variant allele.
Comment: RYR1: PVS1, PS1, PM2

NM_000540.3(RYR1):c.9852G>A (p.Trp3284Ter)

Gene: RYR1 (ryanodine receptor 1; plus strand). Cytogenetic location: 19q13.2.
Variant type: single nucleotide variant.
Coding change: c.9852G>A on transcript NM_000540.3 (MANE Select); coding-DNA position 9852, G replaced by A.
Protein change: p.Trp3284Ter; replaces tryptophan 3284 with a stop codon.
Molecular consequence: nonsense.
Genome position (GRCh38, 1-based): chr19:38,517,525, G>A. VCF-style: chr19-38517525-G-A. GRCh37 (hg19) VCF-style: chr19-39008165-G-A.
Other names: c.9852G>A, p.Trp3284Ter (NM_001042723.2); short protein forms W3284*.
Identifiers: ClinVar variation 2649808 (VCV002649808.24), dbSNP rs2514433461, ClinGen allele CA405692362.